The following is an entry in ClinVar:

NM_002739.5(PRKCG):c.866C>A (p.Pro289Gln)

Gene: PRKCG (protein kinase C gamma; plus strand). Cytogenetic location: 19q13.42.
Variant type: single nucleotide variant.
Coding change: c.866C>A on transcript NM_002739.5 (MANE Select); coding-DNA position 866, C replaced by A.
Protein change: p.Pro289Gln; replaces proline 289 with glutamine.
Molecular consequence: missense variant.
Genome position (GRCh38, 1-based): chr19:53,893,032, C>A. VCF-style: chr19-53893032-C-A. GRCh37 (hg19) VCF-style: chr19-54396286-C-A.
Other names: c.866C>A, p.Pro289Gln (NM_001316329.2); short protein forms P289Q.
Identifiers: ClinVar variation 1256105 (VCV001256105.9), dbSNP rs376704133, ClinGen allele CA9640429.

ClinVar aggregate classification (germline): Uncertain significance. Review status: criteria provided, multiple submitters, no conflicts (2 of 4 stars). 2 submissions from 2 submitters: Uncertain significance (2). Last evaluated 2025-11-01.

Allele frequency attached by ClinVar (database versions not stated): ExAC 0.00001; gnomAD 0.00003; ESP Exome Variant Server 0.00008.
gnomAD v4.1: 66 of 1,613,938 alleles (0.0041%); highest among the groups gnomAD compares: Non-Finnish European, 0.0053%; no homozygotes.

Submissions (2):

CeGaT Center for Human Genetics Tuebingen
Classification: Uncertain significance. Last evaluated: 2025-11-01. Review status: criteria provided, single submitter. Criteria: CeGaT Center For Human Genetics Tuebingen Variant Classification Criteria Version 2. Collection method: clinical testing. Allele origin: germline. Affected: yes. Observed: 1 variant allele.

Athena Diagnostics
Classification: Uncertain significance. Last evaluated: 2024-06-27. Review status: criteria provided, single submitter. Criteria: Athena Diagnostics Criteria. Collection method: clinical testing. Allele origin: unknown.
Comment: Available data are insufficient to determine the clinical significance of the variant at this time. The frequency of this variant in the general population is uninformative in assessment of its pathogenicity. Polyphen and MutationTaster yielded discordant predictions regarding whether this amino acid change is damaging to the protein.